The following is an entry in ClinVar:

NM_006277.3(ITSN2):c.822G>T (p.Gln274His)

Gene: ITSN2 (intersectin 2; minus strand). Cytogenetic location: 2p23.3.
Variant type: single nucleotide variant.
Coding change: c.822G>T on transcript NM_006277.3 (MANE Select); coding-DNA position 822, G replaced by T.
Protein change: p.Gln274His; replaces glutamine 274 with histidine.
Molecular consequence: missense variant.
Genome position (GRCh38, 1-based): chr2:24,303,834, C>A on the plus strand (G>T on the coding strand, the complement: ITSN2 is on the minus strand). VCF-style: chr2-24303834-C-A. GRCh37 (hg19) VCF-style: chr2-24526703-C-A.
Other names: c.780G>T, p.Gln260His (NM_001348181.2, NM_001348184.2); c.822G>T, p.Gln274His (NM_001348182.2, NM_001348183.2, NM_001348185.2 and 3 more transcripts); short protein forms Q274H, Q260H.
Identifiers: ClinVar variation 2385593 (VCV002385593.4), dbSNP rs375747198, ClinGen allele CA1551641.

ClinVar aggregate classification (germline): Uncertain significance. Review status: criteria provided, multiple submitters, no conflicts (2 of 4 stars). 2 submissions from 2 submitters: Uncertain significance (2). Last evaluated 2025-10-15.

Allele frequency attached by ClinVar (database versions not stated): ExAC 0.00016; 1000 Genomes Project 30x 0.00031; 1000 Genomes Project 0.00040.
gnomAD v4.1: 121 of 1,610,712 alleles (0.0075%); highest among the groups gnomAD compares: South Asian, 0.12%; no homozygotes.

Submissions (2):

Labcorp Genetics (formerly Invitae), Labcorp
Classification: Uncertain significance. Last evaluated: 2025-10-15. Review status: criteria provided, single submitter. Criteria: Invitae Variant Classification Sherloc (09022015). Collection method: clinical testing. Allele origin: germline.
Comment: This sequence change replaces glutamine, which is neutral and polar, with histidine, which is basic and polar, at codon 274 of the ITSN2 protein (p.Gln274His). This variant is present in population databases (rs375747198, gnomAD 0.1%), and has an allele count higher than expected for a pathogenic variant. This variant has not been reported in the literature in individuals affected with ITSN2-related conditions. ClinVar contains an entry for this variant (Variation ID: 2385593). An algorithm developed to predict the effect of missense changes on protein structure and function (PolyPhen-2) suggests that this variant is likely to be disruptive. In summary, the available evidence is currently insufficient to determine the role of this variant in disease. Therefore, it has been classified as a Variant of Uncertain Significance.

Ambry Genetics
Classification: Uncertain significance. Last evaluated: 2024-12-28. Review status: criteria provided, single submitter. Criteria: Ambry Variant Classification Scheme 2023. Collection method: clinical testing. Allele origin: germline.